The following is an entry in ClinVar:

ClinVar aggregate classification (germline): Conflicting classifications of pathogenicity. Review status: criteria provided, conflicting classifications (1 of 4 stars). 7 submissions from 7 submitters: Uncertain significance (2); Likely benign (3). 2 of the submissions do not count toward it. Last evaluated 2024-06-10.

Conditions:
Polycystic kidney disease 4 (PKD4). Also called: PKD3; Autosomal Recessive Polycystic Kidney Disease – PKHD1; POLYCYSTIC KIDNEY DISEASE 4 WITH OR WITHOUT POLYCYSTIC LIVER DISEASE; POLYCYSTIC KIDNEY AND HEPATIC DISEASE 1; POLYCYSTIC KIDNEY DISEASE, INFANTILE, TYPE I. Identifiers: MedGen C4540575, MONDO:0033004, OMIM 263200.
PKHD1-related disorder. Also called: PKHD1-related condition.
Autosomal recessive polycystic kidney disease (ARPKD). Also called: AR polycystic kidney disease. Identifiers: Orphanet 731, Orphanet 8378, MedGen C0085548, MeSH D017044, MONDO:0009889.

Allele frequency attached by ClinVar (database versions not stated): gnomAD 0.00002; ExAC 0.00003; TOPMed 0.00003; gnomAD exomes 0.00005 and 0.00006; ESP Exome Variant Server 0.00008.
gnomAD v4.1: 101 of 1,614,116 alleles (0.0063%); highest among the groups gnomAD compares: Middle Eastern, 0.033%; no homozygotes.

Submissions (7):

Blueprint Genetics
Classification: Likely benign. Last evaluated: 2024-06-10. Review status: criteria provided, single submitter. Criteria: ACMG Guidelines, 2015. Collection method: clinical testing. Allele origin: germline.

Labcorp Genetics (formerly Invitae), Labcorp
Classification: Likely benign for Autosomal recessive polycystic kidney disease. Last evaluated: 2024-04-30. Review status: criteria provided, single submitter. Criteria: Invitae Variant Classification Sherloc (09022015). Collection method: clinical testing. Allele origin: germline.

Genome-Nilou Lab
Classification: Likely benign for Polycystic kidney disease 4. Last evaluated: 2021-05-18. Review status: criteria provided, single submitter. Criteria: ACMG Guidelines, 2015. Collection method: clinical testing. Allele origin: germline. Affected: no.

Illumina Laboratory Services, Illumina
Classification: Uncertain significance for Polycystic kidney disease 4. Last evaluated: 2017-04-27. Review status: criteria provided, single submitter. Criteria: ICSL Variant Classification Criteria 13 December 2019. Collection method: clinical testing. Allele origin: germline.

Eurofins Ntd Llc (ga)
Classification: Uncertain significance. Last evaluated: 2015-10-23. Review status: criteria provided, single submitter. Criteria: EGL Classification Definitions 2015. Collection method: clinical testing. Allele origin: germline. Observed: 1 variant allele, 1 heterozygote.

PreventionGenetics, part of Exact Sciences
Classification: Likely benign for PKHD1-related condition. Last evaluated: 2019-03-25. Review status: no assertion criteria provided. Collection method: clinical testing. Allele origin: germline. Not counted in ClinVar's aggregate classification.
Comment: This variant is classified as likely benign based on ACMG/AMP sequence variant interpretation guidelines (Richards et al. 2015 PMID: 25741868, with internal and published modifications).

Natera, Inc.
Classification: Uncertain significance for Autosomal recessive polycystic kidney disease. Last evaluated: 2018-08-15. Review status: no assertion criteria provided. Collection method: clinical testing. Allele origin: germline. Not counted in ClinVar's aggregate classification.

NM_138694.4(PKHD1):c.2265G>A (p.Pro755=)

Gene: PKHD1 (PKHD1 ciliary IPT domain containing fibrocystin/polyductin; minus strand). Cytogenetic location: 6p12.2.
Variant type: single nucleotide variant.
Coding change: c.2265G>A on transcript NM_138694.4 (MANE Select); coding-DNA position 2265, G replaced by A.
Protein change: p.Pro755=; no amino-acid change (proline 755 retained).
Molecular consequence: synonymous variant.
Genome position (GRCh38, 1-based): chr6:52,050,171, C>T on the plus strand (G>A on the coding strand, the complement: PKHD1 is on the minus strand). VCF-style: chr6-52050171-C-T. GRCh37 (hg19) VCF-style: chr6-51914969-C-T.
Other names: c.2265G>A, p.Pro755= (NM_170724.3).
Identifiers: ClinVar variation 284051 (VCV000284051.26), dbSNP rs375603741, ClinGen allele CA3853292.